The following is an entry in ClinVar:

NM_144672.4(OTOA):c.2222G>C (p.Trp741Ser)

Gene: OTOA (otoancorin). Cytogenetic location: 16p12.2.
Variant type: single nucleotide variant.
Coding change: c.2222G>C on transcript NM_144672.4 (MANE Select); coding-DNA position 2222, G replaced by C.
Protein change: p.Trp741Ser; replaces tryptophan 741 with serine.
Molecular consequence: missense variant.
Genome position (GRCh38, 1-based): chr16:21,730,851, G>C. VCF-style: chr16-21730851-G-C. GRCh37 (hg19) VCF-style: chr16-21742172-G-C.
Other names: c.1985G>C, p.Trp662Ser (NM_001161683.2); c.1250G>C, p.Trp417Ser (NM_170664.3); short protein forms W741S, W417S, W662S.
Identifiers: ClinVar variation 179779 (VCV000179779.5), dbSNP rs727505120, ClinGen allele CA185114.
Genomic context (GRCh38, chr16:21,730,851, plus strand): 5'-CACCACAGCATGTTTTTTCACTTTACTGGTTATTATCTCTTTTTAGACTCCCTCAGCACT[G>C]GACAGCCGAGACCACGAAGGACTTGGGACCCTTTCTAGTACTTTTCTCAGGAGATGAATT-3'
Protein context (NP_653273.3, residues 731-751): LLGQYGLPQH[Trp741Ser]TAETTKDLGP

ClinVar aggregate classification (germline): Uncertain significance (1 of 4 stars; one submission).

Submission:

Laboratory for Molecular Medicine, Mass General Brigham Personalized Medicine
Classification: Uncertain significance. Last evaluated: 2014-05-22. Review status: criteria provided, single submitter. Criteria: LMM Criteria. Collection method: clinical testing. Allele origin: germline. Observed: 1 variant allele.
Comment: The Trp741Ser variant in OTOA has not been reported in individuals with hearing loss or in large population studies. Computational prediction tools and conserva tion analysis suggest that this variant may impact the protein, though this info rmation is not predictive enough to determine pathogenicity. In summary, the cli nical significance of this variant is uncertain.